The following is an entry in ClinVar:

NM_000488.4(SERPINC1):c.1350C>T (p.Asn450=)

Gene: SERPINC1 (serpin family C member 1; minus strand). Cytogenetic location: 1q25.1.
Variant type: single nucleotide variant.
Coding change: c.1350C>T on transcript NM_000488.4 (MANE Select); coding-DNA position 1350, C replaced by T.
Protein change: p.Asn450=; no amino-acid change (asparagine 450 retained).
Molecular consequence: synonymous variant.
Genome position (GRCh38, 1-based): chr1:173,903,934, G>A on the plus strand (C>T on the coding strand, the complement: SERPINC1 is on the minus strand). VCF-style: chr1-173903934-G-A. GRCh37 (hg19) VCF-style: chr1-173873072-G-A.
Other names: NM_000488.4(SERPINC1):c.1350C>T; p.Asn450=; c.1206C>T, p.Asn402= (NM_001365052.2); c.1473C>T, p.Asn491= (NM_001386302.1); c.1431C>T, p.Asn477= (NM_001386303.1); c.1329C>T, p.Asn443= (NM_001386304.1); c.1293C>T, p.Asn431= (NM_001386305.1); c.1134C>T, p.Asn378= (NM_001386306.1).
Identifiers: ClinVar variation 2415371 (VCV002415371.8), dbSNP rs5879, ClinGen allele CA1251215.
Genomic context (GRCh38, chr1:173,903,934, plus strand): 5'-AAGAATAAGAACATTTTACTTAACACAAGGGTTGGCTACTCTGCCCATGAAGATAATAGT[G>A]TTCAGAGGAACTTCTCTTATAAAAACCAGGAAAGGCCTGTTGGCCTTGAAAGTCACCCTG-3'
Protein context (NP_000479.1, residues 440-460): FLVFIREVPL[Asn450=]TIIFMGRVAN

ClinVar aggregate classification (germline): Likely benign. Review status: reviewed by expert panel (3 of 4 stars). 2 submissions from 2 submitters: Likely benign (1). 1 of the submissions does not count toward it. Last evaluated 2024-01-25.

Conditions:
Hereditary antithrombin deficiency (AT3D). Also called: Antithrombin III deficiency; Thrombophilia due to antithrombin III deficiency; Reduced antithrombin III activity; Antithrombin deficiency. Identifiers: Orphanet 82, MedGen C0272375, MONDO:0013144, OMIM 613118, HP:0001976.

Allele frequency attached by ClinVar (database versions not stated): gnomAD exomes 0.00001; ExAC 0.00002; gnomAD 0.00005; TOPMed 0.00006; ESP Exome Variant Server 0.00015.
gnomAD v4.1: 10 of 1,614,034 alleles (0.00062%); highest among the groups gnomAD compares: Admixed American, 0.01%; no homozygotes.

Submissions (2):

Clingen Thrombosis Variant Curation Expert Panel, ClinGen
Classification: Likely benign for Hereditary antithrombin deficiency. Last evaluated: 2024-01-25. Review status: reviewed by expert panel. Criteria: ClinGen ACMG Specifications SERPINC1 V1.0.0. Collection method: curation. Allele origin: germline. Inheritance: Autosomal dominant inheritance.
Comment: The c.1350C>T (NM_000488.4) variant in SERPINC1 does not code for a different amino acid (p.Asn450=). The variant is reported at a POPMAX FAF of 0.0002003 (5/24962) in the African/African American population in gnomAD v2.1.1 meeting BS1 criteria (allele frequency > 0.0002 w/min of 5 alleles). SpliceAI predicts no splicing impact for this variant meeting BP4. In summary, this variant meets criteria to be classified as likely benign. ACMG/AMP criteria applied, as specified by the Thrombosis Variant Curation Expert Panel for SERPINC1: BS1, BP4.

Labcorp Genetics (formerly Invitae), Labcorp
Classification: Likely benign for Hereditary antithrombin deficiency. Last evaluated: 2024-11-18. Review status: criteria provided, single submitter. Criteria: Invitae Variant Classification Sherloc (09022015). Collection method: clinical testing. Allele origin: germline. Not counted in ClinVar's aggregate classification.